The following is an entry in ClinVar:

ClinVar aggregate classification (germline): Uncertain significance (1 of 4 stars; one submission).

Conditions:
CHARGE syndrome (CHARGE). Also called: Hittner Hirsch Kreh syndrome; CHARGE ASSOCIATION--COLOBOMA, HEART ANOMALY, CHOANAL ATRESIA, RETARDATION, GENITAL AND EAR ANOMALIES; Coloboma, heart anomaly, choanal atresia, retardation, genital and ear anomalies; CHARGE association; Hall-Hittner syndrome. Identifiers: Orphanet 138, MedGen C0265354, MONDO:0008965.

gnomAD v4.1: 10 of 1,613,968 alleles (0.00062%); highest among the groups gnomAD compares: Non-Finnish European, 0.00085%; no homozygotes.

Submission:

Labcorp Genetics (formerly Invitae), Labcorp
Classification: Uncertain significance for CHARGE syndrome. Last evaluated: 2025-10-22. Review status: criteria provided, single submitter. Criteria: Invitae Variant Classification Sherloc (09022015). Collection method: clinical testing. Allele origin: germline.
Comment: This sequence change replaces alanine, which is neutral and non-polar, with glycine, which is neutral and non-polar, at codon 99 of the CHD7 protein (p.Ala99Gly). This variant is not present in population databases (gnomAD no frequency). This variant has not been reported in the literature in individuals affected with CHD7-related conditions. Invitae Evidence Modeling of protein sequence and biophysical properties (such as structural, functional, and spatial information, amino acid conservation, physicochemical variation, residue mobility, and thermodynamic stability) indicates that this missense variant is not expected to disrupt CHD7 protein function with a negative predictive value of 95%. In summary, the available evidence is currently insufficient to determine the role of this variant in disease. Therefore, it has been classified as a Variant of Uncertain Significance.

NM_017780.4(CHD7):c.296C>G (p.Ala99Gly)

Gene: CHD7 (chromodomain helicase DNA binding protein 7; plus strand). Cytogenetic location: 8q12.2.
Variant type: single nucleotide variant.
Coding change: c.296C>G on transcript NM_017780.4 (MANE Select); coding-DNA position 296, C replaced by G.
Protein change: p.Ala99Gly; replaces alanine 99 with glycine.
Molecular consequence: missense variant.
Genome position (GRCh38, 1-based): chr8:60,741,728, C>G. VCF-style: chr8-60741728-C-G. GRCh37 (hg19) VCF-style: chr8-61654287-C-G.
Other names: c.296C>G, p.Ala99Gly (NM_001316690.1); short protein forms A99G.
Identifiers: ClinVar variation 4730665 (VCV004730665.1).